The following is an entry in ClinVar:

ClinVar aggregate classification (germline): Uncertain significance (1 of 4 stars; one submission).

Conditions:
Oligodontia-cancer predisposition syndrome. Also called: TOOTH AGENESIS-COLORECTAL CANCER SYNDROME. Identifiers: MedGen C1837750, MONDO:0012075, OMIM 608615, Orphanet 300576. Disease mechanism: loss of function.

Submission:

Labcorp Genetics (formerly Invitae), Labcorp
Classification: Uncertain significance for Oligodontia-cancer predisposition syndrome. Last evaluated: 2023-04-26. Review status: criteria provided, single submitter. Criteria: Invitae Variant Classification Sherloc (09022015). Collection method: clinical testing. Allele origin: germline.
Comment: In summary, the available evidence is currently insufficient to determine the role of this variant in disease. Therefore, it has been classified as a Variant of Uncertain Significance. Advanced modeling of protein sequence and biophysical properties (such as structural, functional, and spatial information, amino acid conservation, physicochemical variation, residue mobility, and thermodynamic stability) performed at Invitae indicates that this missense variant is expected to disrupt AXIN2 protein function. This variant has not been reported in the literature in individuals affected with AXIN2-related conditions. This variant is not present in population databases (gnomAD no frequency). This sequence change replaces glycine, which is neutral and non-polar, with arginine, which is basic and polar, at codon 67 of the AXIN2 protein (p.Gly67Arg).

NM_004655.4(AXIN2):c.199G>A (p.Gly67Arg)

Gene: AXIN2 (axin 2; minus strand). Cytogenetic location: 17q24.1.
Variant type: single nucleotide variant.
Coding change: c.199G>A on transcript NM_004655.4 (MANE Select); coding-DNA position 199, G replaced by A.
Protein change: p.Gly67Arg; replaces glycine 67 with arginine.
Molecular consequence: missense variant.
Genome position (GRCh38, 1-based): chr17:65,558,422, C>T on the plus strand (G>A on the coding strand, the complement: AXIN2 is on the minus strand). VCF-style: chr17-65558422-C-T. GRCh37 (hg19) VCF-style: chr17-63554540-C-T.
Other names: c.199G>A, p.Gly67Arg (NM_001363813.1); short protein forms G67R.
Identifiers: ClinVar variation 2859625 (VCV002859625.3), dbSNP rs2544253958, ClinGen allele CA400681912.
Genomic context (GRCh38, chr17:65,558,422, plus strand): 5'-CCAATAAGGAGTGTAAGGACTTGGTCCACCGGGTCAGAGGGGAATCCGGAGATGCCCGCC[C>T]CTCCGGCTCCCCCAACCCATCTTCGTTCCGCCTGGTGTTGGAAGAGACAGGCATGGGTTT-3'
Protein context (NP_004646.3, residues 57-77): RNEDGLGEPE[Gly67Arg]RASPDSPLTR